The following is an entry in ClinVar:

ClinVar aggregate classification (germline): Benign (1 of 4 stars; one submission).

Conditions:
Familial cancer of breast. Also called: BREAST CANCER, FAMILIAL; Hereditary breast cancer; hereditary breast carcinoma. Identifiers: Orphanet 227535, MedGen C0346153, MONDO:0016419, OMIM 114480. Disease mechanism: loss of function.

Submission:

Myriad Genetics, Inc.
Classification: Benign for Familial cancer of breast. Last evaluated: 2024-04-23. Review status: criteria provided, single submitter. Criteria: Myriad Autosomal Dominant, Autosomal Recessive and X-Linked Classification Criteria (2023). Collection method: clinical testing. Allele origin: unknown.
Comment: This variant is considered benign. This variant is a silent/synonymous amino acid change and it is not expected to impact splicing.

NM_000051.4(ATM):c.780C>A (p.Pro260=)

Gene: ATM (ATM serine/threonine kinase; plus strand). Cytogenetic location: 11q22.3.
Variant type: single nucleotide variant.
Coding change: c.780C>A on transcript NM_000051.4 (MANE Select); coding-DNA position 780, C replaced by A.
Protein change: p.Pro260=; no amino-acid change (proline 260 retained).
Molecular consequence: synonymous variant.
Genome position (GRCh38, 1-based): chr11:108,244,905, C>A. VCF-style: chr11-108244905-C-A. GRCh37 (hg19) VCF-style: chr11-108115632-C-A.
Other names: c.780C>A, p.Pro260= (NM_001351834.2).
Identifiers: ClinVar variation 3254158 (VCV003254158.1), dbSNP rs1591504144.